The following is an entry in ClinVar:

NM_000051.4(ATM):c.7241A>C (p.Gln2414Pro)

Genes: ATM (ATM serine/threonine kinase; plus strand), C11orf65 (chromosome 11 open reading frame 65; minus strand). Cytogenetic location: 11q22.3.
Variant type: single nucleotide variant.
Coding change: c.7241A>C on transcript NM_000051.4 (MANE Select); coding-DNA position 7241, A replaced by C.
Protein change: p.Gln2414Pro; replaces glutamine 2414 with proline.
Molecular consequence: missense variant. On other transcripts: intron variant (2).
Genome position (GRCh38, 1-based): chr11:108,329,172, A>C. VCF-style: chr11-108329172-A-C. GRCh37 (hg19) VCF-style: chr11-108199899-A-C.
Other names: c.7241A>C, p.Gln2414Pro (NM_001351834.2); c.641-20101T>G (NM_001330368.2); c.*38+6048T>G (NM_001351110.2); short protein forms Q2414P.
Identifiers: ClinVar variation 3801737 (VCV003801737.1).

ClinVar aggregate classification (germline): Uncertain significance (1 of 4 stars; one submission).

Conditions:
Hereditary cancer-predisposing syndrome. Also called: Neoplastic Syndromes, Hereditary; Tumor predisposition; Hereditary Cancer Syndrome; Hereditary neoplastic syndrome. Identifiers: Orphanet 140162, MedGen C0027672, MeSH D009386, MONDO:0015356.

Submission:

Ambry Genetics
Classification: Uncertain significance for Hereditary cancer-predisposing syndrome. Last evaluated: 2025-01-07. Review status: criteria provided, single submitter. Criteria: Ambry Variant Classification Scheme 2023. Collection method: clinical testing. Allele origin: germline.
Comment: The p.Q2414P variant (also known as c.7241A>C), located in coding exon 48 of the ATM gene, results from an A to C substitution at nucleotide position 7241. The glutamine at codon 2414 is replaced by proline, an amino acid with similar properties. This amino acid position is conserved. In addition, this alteration is predicted to be deleterious by in silico analysis. Based on the available evidence, the clinical significance of this variant remains unclear.